The following is an entry in ClinVar:

ClinVar aggregate classification (germline): Pathogenic (1 of 4 stars; one submission).

Conditions:
Beckwith-Wiedemann syndrome (BWS). Also called: Exomphalos macroglossia gigantism syndrome; EMG SYNDROME. Identifiers: Orphanet 116, MedGen C0004903, MONDO:0007534, OMIM 130650.

Submission:

Labcorp Genetics (formerly Invitae), Labcorp
Classification: Pathogenic for Beckwith-Wiedemann syndrome. Last evaluated: 2022-02-18. Review status: criteria provided, single submitter. Criteria: Invitae Variant Classification Sherloc (09022015). Collection method: clinical testing. Allele origin: germline.
Comment: This sequence change creates a premature translational stop signal (p.Ser86*) in the CDKN1C gene. It is expected to result in an absent or disrupted protein product. Loss-of-function variants in CDKN1C are known to be pathogenic (PMID: 20503313). This variant is not present in population databases (gnomAD no frequency). This variant has not been reported in the literature in individuals affected with CDKN1C-related conditions. For these reasons, this variant has been classified as Pathogenic.

Literature cited by the submitters: PubMed 20503313.

NM_001122630.2(CDKN1C):c.224C>A (p.Ser75Ter)

Gene: CDKN1C (cyclin dependent kinase inhibitor 1C; minus strand). Cytogenetic location: 11p15.4.
Variant type: single nucleotide variant.
Coding change: c.224C>A on transcript NM_001122630.2 (MANE Select); coding-DNA position 224, C replaced by A.
Protein change: p.Ser75Ter; replaces serine 75 with a stop codon.
Molecular consequence: nonsense.
Genome position (GRCh38, 1-based): chr11:2,885,233, G>T on the plus strand (C>A on the coding strand, the complement: CDKN1C is on the minus strand). VCF-style: chr11-2885233-G-T. GRCh37 (hg19) VCF-style: chr11-2906463-G-T.
Other names: c.257C>A, p.Ser86Ter (NM_000076.2, NM_001362474.2); c.224C>A, p.Ser75Ter (NM_001122631.2, NM_001362475.2); short protein forms S86*, S75*.
Identifiers: ClinVar variation 2098451 (VCV002098451.4), dbSNP rs897964106, ClinGen allele CA379147195.